The following is an entry in ClinVar:

NM_139319.3(SLC17A8):c.354+4G>A

Gene: SLC17A8 (solute carrier family 17 member 8; plus strand). Cytogenetic location: 12q23.1.
Variant type: single nucleotide variant.
Coding change: c.354+4G>A on transcript NM_139319.3 (MANE Select); 4 bases into the intron after coding-DNA position 354, G replaced by A.
Molecular consequence: intron variant.
Genome position (GRCh38, 1-based): chr12:100,380,957, G>A. VCF-style: chr12-100380957-G-A. GRCh37 (hg19) VCF-style: chr12-100774735-G-A.
Other names: c.354+4G>A (NM_001145288.2).
Identifiers: ClinVar variation 4770566 (VCV004770566.1).

ClinVar aggregate classification (germline): Uncertain significance (1 of 4 stars; one submission).

gnomAD v4.1: 7 of 1,613,936 alleles (0.00043%); highest among the groups gnomAD compares: East Asian, 0.011%; no homozygotes.

Submission:

Labcorp Genetics (formerly Invitae), Labcorp
Classification: Uncertain significance. Last evaluated: 2025-04-20. Review status: criteria provided, single submitter. Criteria: Invitae Variant Classification Sherloc (09022015). Collection method: clinical testing. Allele origin: germline.
Comment: This sequence change falls in intron 2 of the SLC17A8 gene. It does not directly change the encoded amino acid sequence of the SLC17A8 protein. It affects a nucleotide within the consensus splice site. This variant is not present in population databases (gnomAD no frequency). This variant has not been reported in the literature in individuals affected with SLC17A8-related conditions. Variants that disrupt the consensus splice site are a relatively common cause of aberrant splicing (PMID: 17576681, 9536098). Algorithms developed to predict the effect of sequence changes on RNA splicing suggest that this variant is not likely to affect RNA splicing. In summary, the available evidence is currently insufficient to determine the role of this variant in disease. Therefore, it has been classified as a Variant of Uncertain Significance.

Literature cited by the submitters: PubMed 17576681; PubMed 9536098.